The following is an entry in ClinVar:

ClinVar aggregate classification (germline): Uncertain significance (1 of 4 stars; one submission).

gnomAD v4.1: 4 of 1,613,846 alleles (0.00025%); highest among the groups gnomAD compares: South Asian, 0.0011%; no homozygotes.

Submission:

GeneDx
Classification: Uncertain significance. Last evaluated: 2026-02-13. Review status: criteria provided, single submitter. Criteria: GeneDx Variant Classification Process June 2021. Collection method: clinical testing. Allele origin: germline.
Comment: Not observed at significant frequency in large population cohorts (gnomAD); In silico analysis supports that this missense variant has a deleterious effect on protein structure/function; Has not been previously published as pathogenic or benign to our knowledge

NM_032608.7(MYO18B):c.3278C>T (p.Pro1093Leu)

Gene: MYO18B (myosin XVIIIB; plus strand). Cytogenetic location: 22q12.1.
Variant type: single nucleotide variant.
Coding change: c.3278C>T on transcript NM_032608.7 (MANE Select); coding-DNA position 3278, C replaced by T.
Protein change: p.Pro1093Leu; replaces proline 1093 with leucine.
Molecular consequence: missense variant.
Genome position (GRCh38, 1-based): chr22:25,843,804, C>T. VCF-style: chr22-25843804-C-T. GRCh37 (hg19) VCF-style: chr22-26239771-C-T.
Other names: c.3281C>T, p.Pro1094Leu (NM_001318245.2); short protein forms P1093L, P1094L.
Identifiers: ClinVar variation 5008923 (VCV005008923.1).
Genomic context (GRCh38, chr22:25,843,804, plus strand): 5'-CCCTGCGGACCTGTGAGCAGCCCCTCCAGTGTGAGATTTTCCACCAGTTGGGATGGGACC[C>T]TGTGCGGTACGACCTCACGGGCTGGCTCCACAGAGCCAAGCCCAACCTCTCGGCCCTGGA-3'
Protein context (NP_115997.5, residues 1083-1103): CEIFHQLGWD[Pro1093Leu]VRYDLTGWLH